The following is an entry in ClinVar:

ClinVar aggregate classification (germline): Likely benign (0 of 4 stars; one submission).

Conditions:
HMGA2-related disorder. Also called: HMGA2-related condition.

Submission:

PreventionGenetics, part of Exact Sciences
Classification: Likely benign for HMGA2-related condition. Last evaluated: 2019-06-10. Review status: no assertion criteria provided. Collection method: clinical testing. Allele origin: germline.
Comment: This variant is classified as likely benign based on ACMG/AMP sequence variant interpretation guidelines (Richards et al. 2015 PMID: 25741868, with internal and published modifications).

NM_003483.6(HMGA2):c.15T>G (p.Gly5=)

Gene: HMGA2 (high mobility group AT-hook 2; plus strand). Cytogenetic location: 12q14.3.
Variant type: single nucleotide variant.
Coding change: c.15T>G on transcript NM_003483.6 (MANE Select); coding-DNA position 15, T replaced by G.
Protein change: p.Gly5=; no amino-acid change (glycine 5 retained).
Molecular consequence: synonymous variant.
Genome position (GRCh38, 1-based): chr12:65,825,285, T>G. VCF-style: chr12-65825285-T-G. GRCh37 (hg19) VCF-style: chr12-66219065-T-G.
Other names: c.15T>G, p.Gly5= (NM_001300918.1, NM_001300919.1, NM_001330190.1 and 1 more transcripts).
Identifiers: ClinVar variation 3033836 (VCV003033836.2), dbSNP rs1448432644, ClinGen allele CA480698011.